The following is an entry in ClinVar:

NM_017950.4(CCDC40):c.3180+6C>G

Gene: CCDC40 (coiled-coil domain 40 molecular ruler complex subunit; plus strand). Cytogenetic location: 17q25.3.
Variant type: single nucleotide variant.
Coding change: c.3180+6C>G on transcript NM_017950.4 (MANE Select); 6 bases into the intron after coding-DNA position 3180, C replaced by G.
Molecular consequence: intron variant.
Genome position (GRCh38, 1-based): chr17:80,097,409, C>G. VCF-style: chr17-80097409-C-G. GRCh37 (hg19) VCF-style: chr17-78071208-C-G.
Identifiers: ClinVar variation 454890 (VCV000454890.9), dbSNP rs753716586, ClinGen allele CA8814641.

ClinVar aggregate classification (germline): Conflicting classifications of pathogenicity. Review status: criteria provided, conflicting classifications (1 of 4 stars). 2 submissions from 2 submitters: Uncertain significance (1); Likely benign (1). Last evaluated 2024-08-22.

Conditions:
Primary ciliary dyskinesia. Also called: Ciliary dyskinesia. Identifiers: Orphanet 244, MedGen C0008780, MONDO:0016575, HP:0012265.

Allele frequency attached by ClinVar (database versions not stated): TOPMed 0.00005; gnomAD 0.00004.
gnomAD v4.1: 162 of 1,613,700 alleles (0.01%); highest among the groups gnomAD compares: Middle Eastern, 0.016%; 1 homozygote.

Submissions (2):

Blueprint Genetics
Classification: Likely benign. Last evaluated: 2024-08-22. Review status: criteria provided, single submitter. Criteria: ACMG Guidelines, 2015. Collection method: clinical testing. Allele origin: germline.

Labcorp Genetics (formerly Invitae), Labcorp
Classification: Uncertain significance for Primary ciliary dyskinesia. Last evaluated: 2022-08-23. Review status: criteria provided, single submitter. Criteria: Invitae Variant Classification Sherloc (09022015). Collection method: clinical testing. Allele origin: germline.
Comment: This sequence change falls in intron 19 of the CCDC40 gene. It does not directly change the encoded amino acid sequence of the CCDC40 protein. It affects a nucleotide within the consensus splice site. This variant is present in population databases (rs753716586, gnomAD 0.01%). This variant has not been reported in the literature in individuals affected with CCDC40-related conditions. ClinVar contains an entry for this variant (Variation ID: 454890). Variants that disrupt the consensus splice site are a relatively common cause of aberrant splicing (PMID: 17576681, 9536098). Algorithms developed to predict the effect of sequence changes on RNA splicing suggest that this variant is not likely to affect RNA splicing. In summary, the available evidence is currently insufficient to determine the role of this variant in disease. Therefore, it has been classified as a Variant of Uncertain Significance.

Literature cited by the submitters: PubMed 17576681 (cited by Labcorp Genetics (formerly Invitae), Labcorp); PubMed 9536098 (cited by Labcorp Genetics (formerly Invitae), Labcorp).